The following is an entry in ClinVar:

NM_001162501.2(TNRC6B):c.3775C>T (p.Pro1259Ser)

Gene: TNRC6B (trinucleotide repeat containing adaptor 6B; plus strand). Cytogenetic location: 22q13.1.
Variant type: single nucleotide variant.
Coding change: c.3775C>T on transcript NM_001162501.2 (MANE Select); coding-DNA position 3775, C replaced by T.
Protein change: p.Pro1259Ser; replaces proline 1259 with serine.
Molecular consequence: missense variant.
Genome position (GRCh38, 1-based): chr22:40,300,521, C>T. VCF-style: chr22-40300521-C-T. GRCh37 (hg19) VCF-style: chr22-40696525-C-T.
Other names: c.1363C>T, p.Pro455Ser (NM_001024843.2); c.3445C>T, p.Pro1149Ser (NM_015088.3); short protein forms P1149S, P1259S, P455S.
Identifiers: ClinVar variation 5037121 (VCV005037121.1).

ClinVar aggregate classification (germline): Uncertain significance (1 of 4 stars; one submission).

gnomAD v4.1: 1 of 1,613,218 alleles (0.000062%); highest among the groups gnomAD compares: Non-Finnish European, 0.000085%; no homozygotes.

Submission:

GeneDx
Classification: Uncertain significance. Last evaluated: 2026-04-15. Review status: criteria provided, single submitter. Criteria: GeneDx Variant Classification Process June 2021. Collection method: clinical testing. Allele origin: germline.
Comment: Not observed at significant frequency in large population cohorts (gnomAD); In silico analysis suggests that this missense variant does not alter protein structure/function; Has not been previously published as pathogenic or benign to our knowledge